The following is an entry in ClinVar:

ClinVar aggregate classification (germline): Pathogenic (1 of 4 stars; one submission).

Conditions:
Bloom syndrome (BLM). Also called: Bloom-Torre-Machacek syndrome. Identifiers: Orphanet 125, MedGen C0005859, MONDO:0008876, OMIM 210900.

Submission:

Labcorp Genetics (formerly Invitae), Labcorp
Classification: Pathogenic for Bloom syndrome. Last evaluated: 2022-10-07. Review status: criteria provided, single submitter. Criteria: Invitae Variant Classification Sherloc (09022015). Collection method: clinical testing. Allele origin: germline.
Comment: This variant is a gross deletion of the genomic region encompassing exon(s) 11-12 of the BLM gene. This deletion is out-of-frame, and is expected to create a premature termination codon and result in an absent or disrupted protein product. Loss-of-function variants in BLM are known to be pathogenic (PMID: 17407155). A similar copy number variant has been observed in individual(s) with Bloom syndrome (PMID: 17407155). For these reasons, this variant has been classified as Pathogenic.

Literature cited by the submitters: PubMed 17407155.

NC_000015.10:g.(?_90769123)_(90769596_?)del

Gene: BLM (BLM RecQ like helicase; plus strand). Cytogenetic location: 15q26.1.
Variant type: Deletion.
Identifiers: ClinVar variation 830916 (VCV000830916.6).